The following is an entry in ClinVar:

NM_001457.4(FLNB):c.6889-18G>A

Gene: FLNB (filamin B; plus strand). Cytogenetic location: 3p14.3.
Variant type: single nucleotide variant.
Coding change: c.6889-18G>A on transcript NM_001457.4 (MANE Select); 18 bases into the intron before coding-DNA position 6889, G replaced by A.
Molecular consequence: intron variant.
Genome position (GRCh38, 1-based): chr3:58,159,536, G>A. VCF-style: chr3-58159536-G-A. GRCh37 (hg19) VCF-style: chr3-58145263-G-A.
Other names: c.6982-18G>A (NM_001164317.2); c.6856-18G>A (NM_001164318.2); c.6817-18G>A (NM_001164319.2).
Identifiers: ClinVar variation 258119 (VCV000258119.15), dbSNP rs12634123, ClinGen allele CA2469533.

ClinVar aggregate classification (germline): Benign. Review status: criteria provided, multiple submitters, no conflicts (2 of 4 stars). 7 submissions from 7 submitters: Benign (5). 2 of the submissions do not count toward it. Last evaluated 2026-02-04.

Allele frequency attached by ClinVar (database versions not stated): ExAC 0.66979; gnomAD exomes 0.67218 and 0.63939; ESP Exome Variant Server 0.62725; gnomAD 0.62957 and 0.63950; TOPMed 0.64968; 1000 Genomes Project 30x 0.74266; 1000 Genomes Project 0.74860.
gnomAD v4.1: 1,032,545 of 1,612,544 alleles (64%); highest among the groups gnomAD compares: East Asian, 100%; 335,250 homozygotes.

Submissions (7):

Labcorp Genetics (formerly Invitae), Labcorp
Classification: Benign. Last evaluated: 2026-02-04. Review status: criteria provided, single submitter. Criteria: Invitae Variant Classification Sherloc (09022015). Collection method: clinical testing. Allele origin: germline.

Blueprint Genetics
Classification: Benign. Last evaluated: 2024-11-26. Review status: criteria provided, single submitter. Criteria: ACMG Guidelines, 2015. Collection method: clinical testing. Allele origin: germline.

GeneDx
Classification: Benign. Last evaluated: 2016-02-01. Review status: criteria provided, single submitter. Criteria: GeneDx Variant Classification (06012015). Collection method: clinical testing. Allele origin: germline. Affected: yes.
Comment: This variant is considered likely benign or benign based on one or more of the following criteria: it is a conservative change, it occurs at a poorly conserved position in the protein, it is predicted to be benign by multiple in silico algorithms, and/or has population frequency not consistent with disease.

Breakthrough Genomics
Classification: Benign. Review status: criteria provided, single submitter. Criteria: ACMG Guidelines, 2015. Collection method: not provided. Allele origin: germline. Inheritance: Autosomal recessive inheritance. Affected: yes.

PreventionGenetics, part of Exact Sciences
Classification: Benign. Review status: criteria provided, single submitter. Criteria: ACMG Guidelines, 2015. Collection method: clinical testing. Allele origin: germline.

Diagnostic Laboratory, Department of Genetics, University Medical Center Groningen
Classification: Benign. Review status: no assertion criteria provided. Collection method: clinical testing. Allele origin: germline. Affected: yes. Study: VKGL Data-share Consensus. Not counted in ClinVar's aggregate classification.

Genome Diagnostics Laboratory, Amsterdam University Medical Center
Classification: Benign. Review status: no assertion criteria provided. Collection method: clinical testing. Allele origin: germline. Affected: yes. Study: VKGL Data-share Consensus. Not counted in ClinVar's aggregate classification.